The following is an entry in ClinVar:

ClinVar aggregate classification (germline): Uncertain significance (1 of 4 stars; one submission).

Conditions:
Infantile spasms. Also called: Infantile spasm. Identifiers: MedGen C3887898, HP:0012469.

Allele frequency attached by ClinVar (database versions not stated): gnomAD exomes below 0.00001 and 0.00001; ExAC 0.00002; ESP Exome Variant Server 0.00008.
gnomAD v4.1: 1 of 1,614,040 alleles (0.000062%); highest among the groups gnomAD compares: Non-Finnish European, 0.000085%; no homozygotes.

Submission:

Labcorp Genetics (formerly Invitae), Labcorp
Classification: Uncertain significance for Infantile spasms. Last evaluated: 2021-02-18. Review status: criteria provided, single submitter. Criteria: Invitae Variant Classification Sherloc (09022015). Collection method: clinical testing. Allele origin: germline.
Comment: This sequence change replaces threonine with isoleucine at codon 716 of the PIK3AP1 protein (p.Thr716Ile). The threonine residue is moderately conserved and there is a moderate physicochemical difference between threonine and isoleucine. This variant is present in population databases (rs368775964, ExAC 0.003%). This variant has not been reported in the literature in individuals with PIK3AP1-related conditions. Algorithms developed to predict the effect of missense changes on protein structure and function are either unavailable or do not agree on the potential impact of this missense change (SIFT: "Deleterious"; PolyPhen-2: "Possibly Damaging"; Align-GVGD: "Class C0"). In summary, the available evidence is currently insufficient to determine the role of this variant in disease. Therefore, it has been classified as a Variant of Uncertain Significance.

NM_152309.3(PIK3AP1):c.2147C>T (p.Thr716Ile)

Gene: PIK3AP1 (phosphoinositide-3-kinase adaptor protein 1; minus strand). Cytogenetic location: 10q24.1.
Variant type: single nucleotide variant.
Coding change: c.2147C>T on transcript NM_152309.3 (MANE Select); coding-DNA position 2147, C replaced by T.
Protein change: p.Thr716Ile; replaces threonine 716 with isoleucine.
Molecular consequence: missense variant.
Genome position (GRCh38, 1-based): chr10:96,609,735, G>A on the plus strand (C>T on the coding strand, the complement: PIK3AP1 is on the minus strand). VCF-style: chr10-96609735-G-A. GRCh37 (hg19) VCF-style: chr10-98369492-G-A.
Other names: short protein forms T716I.
Identifiers: ClinVar variation 1353591 (VCV001353591.8), dbSNP rs368775964, ClinGen allele CA5626055.